The following is an entry in ClinVar:

NM_001364905.1(LRBA):c.7819A>C (p.Lys2607Gln)

Gene: LRBA (LPS responsive beige-like anchor protein; minus strand). Cytogenetic location: 4q31.3.
Variant type: single nucleotide variant.
Coding change: c.7819A>C on transcript NM_001364905.1 (MANE Select); coding-DNA position 7819, A replaced by C.
Protein change: p.Lys2607Gln; replaces lysine 2607 with glutamine.
Molecular consequence: missense variant.
Genome position (GRCh38, 1-based): chr4:150,310,259, T>G on the plus strand (A>C on the coding strand, the complement: LRBA is on the minus strand). VCF-style: chr4-150310259-T-G. GRCh37 (hg19) VCF-style: chr4-151231411-T-G.
Other names: c.7819A>C, p.Lys2607Gln (NM_001199282.3); c.7834A>C, p.Lys2612Gln (NM_001367550.1); c.7852A>C, p.Lys2618Gln (NM_006726.5); short protein forms K2607Q, K2618Q, K2612Q.
Identifiers: ClinVar variation 1963078 (VCV001963078.6), dbSNP rs188840237, ClinGen allele CA3101523.

ClinVar aggregate classification (germline): Conflicting classifications of pathogenicity. Review status: criteria provided, conflicting classifications (1 of 4 stars). 2 submissions from 2 submitters: Uncertain significance (1); Likely benign (1). Last evaluated 2025-04-10.

Conditions:
LRBA-related disorder. Also called: LRBA-related condition.
Combined immunodeficiency due to LRBA deficiency. Also called: Common variable immunodeficiency 8, with autoimmunity. Identifiers: Orphanet 445018, MedGen C3553512, MONDO:0013863, OMIM 614700.

Allele frequency attached by ClinVar (database versions not stated): TOPMed below 0.00001; gnomAD exomes 0.00010; 1000 Genomes Project 30x 0.00016; ExAC 0.00018; 1000 Genomes Project 0.00020.
gnomAD v4.1: 168 of 1,612,738 alleles (0.01%); highest among the groups gnomAD compares: Non-Finnish European, 0.00076%; no homozygotes.

Submissions (2):

PreventionGenetics, part of Exact Sciences
Classification: Uncertain significance for LRBA-related condition. Last evaluated: 2025-04-10. Review status: criteria provided, single submitter. Criteria: ACMG Guidelines, 2015. Collection method: clinical testing. Allele origin: germline.
Comment: The LRBA c.7852A>C variant is predicted to result in the amino acid substitution p.Lys2618Gln. To our knowledge, this variant has not been reported in the literature. This variant is reported in 0.27% of alleles in individuals of European (Finnish) descent in gnomAD. Although we suspect that this variant may be benign, at this time, the clinical significance of this variant is uncertain due to the absence of conclusive functional and genetic evidence.

Labcorp Genetics (formerly Invitae), Labcorp
Classification: Likely benign for Combined immunodeficiency due to LRBA deficiency. Last evaluated: 2023-08-17. Review status: criteria provided, single submitter. Criteria: Invitae Variant Classification Sherloc (09022015). Collection method: clinical testing. Allele origin: germline.